The following is an entry in ClinVar:

NM_001395002.1(MAP4K4):c.2741G>A (p.Gly914Asp)

Gene: MAP4K4 (mitogen-activated protein kinase kinase kinase kinase 4; plus strand). Cytogenetic location: 2q11.2.
Variant type: single nucleotide variant.
Coding change: c.2741G>A on transcript NM_001395002.1 (MANE Select); coding-DNA position 2741, G replaced by A.
Protein change: p.Gly914Asp; replaces glycine 914 with aspartic acid.
Molecular consequence: missense variant. On other transcripts: non-coding transcript variant (4).
Genome position (GRCh38, 1-based): chr2:101,870,396, G>A. VCF-style: chr2-101870396-G-A. GRCh37 (hg19) VCF-style: chr2-102486858-G-A.
Other names: c.2498G>A, p.Gly833Asp (NM_001242559.2); c.2486G>A, p.Gly829Asp (NM_001242560.2); c.2576G>A, p.Gly859Asp (NM_001384476.1); c.2573G>A, p.Gly858Asp (NM_001384477.1, NM_001384508.1); c.2255G>A, p.Gly752Asp (NM_001384478.1, NM_001384495.1); c.2501G>A, p.Gly834Asp (NM_001384481.1); c.2246G>A, p.Gly749Asp (NM_001384482.1); c.2336G>A, p.Gly779Asp (NM_001384483.1); and 31 more; short protein forms G742D, G743D, G749D, G751D, G752D, G771D, G779D, G780D.
Identifiers: ClinVar variation 3370701 (VCV003370701.1).

ClinVar aggregate classification (germline): Uncertain significance (1 of 4 stars; one submission).

Submission:

GeneDx
Classification: Uncertain significance. Last evaluated: 2024-03-07. Review status: criteria provided, single submitter. Criteria: GeneDx Variant Classification Process June 2021. Collection method: clinical testing. Allele origin: germline. Affected: yes.
Comment: Not observed at significant frequency in large population cohorts (gnomAD); In silico analysis supports that this missense variant has a deleterious effect on protein structure/function; Has not been previously published as pathogenic or benign to our knowledge